The following is an entry in ClinVar:

ClinVar aggregate classification (germline): Uncertain significance. Review status: criteria provided, multiple submitters, no conflicts (2 of 4 stars). 2 submissions from 2 submitters: Uncertain significance (2). Last evaluated 2025-05-21.

Conditions:
Charcot-Marie-Tooth disease type 2. Also called: Charcot-Marie-Tooth type 2. Identifiers: Orphanet 64746, MedGen C0270914, MONDO:0018993.

Allele frequency attached by ClinVar (database versions not stated): gnomAD exomes 0.00001 and below 0.00001; TOPMed 0.00002.
gnomAD v4.1: 5 of 1,614,214 alleles (0.00031%); highest among the groups gnomAD compares: Admixed American, 0.0033%; no homozygotes.

Submissions (2):

Labcorp Genetics (formerly Invitae), Labcorp
Classification: Uncertain significance for Charcot-Marie-Tooth disease type 2. Last evaluated: 2025-05-21. Review status: criteria provided, single submitter. Criteria: Invitae Variant Classification Sherloc (09022015). Collection method: clinical testing. Allele origin: germline.
Comment: This sequence change replaces alanine, which is neutral and non-polar, with threonine, which is neutral and polar, at codon 64 of the MFN2 protein (p.Ala64Thr). This variant is present in population databases (no rsID available, gnomAD 0.009%). This variant has not been reported in the literature in individuals affected with MFN2-related conditions. ClinVar contains an entry for this variant (Variation ID: 1423906). Invitae Evidence Modeling of protein sequence and biophysical properties (such as structural, functional, and spatial information, amino acid conservation, physicochemical variation, residue mobility, and thermodynamic stability) indicates that this missense variant is not expected to disrupt MFN2 protein function with a negative predictive value of 80%. In summary, the available evidence is currently insufficient to determine the role of this variant in disease. Therefore, it has been classified as a Variant of Uncertain Significance.

GeneDx
Classification: Uncertain significance. Last evaluated: 2024-01-02. Review status: criteria provided, single submitter. Criteria: GeneDx Variant Classification Process June 2021. Collection method: clinical testing. Allele origin: germline. Affected: yes.
Comment: Has not been previously published as pathogenic or benign to our knowledge; In silico analysis supports that this missense variant does not alter protein structure/function

NM_014874.4(MFN2):c.190G>A (p.Ala64Thr)

Gene: MFN2 (mitofusin 2; plus strand). Cytogenetic location: 1p36.22.
Variant type: single nucleotide variant.
Coding change: c.190G>A on transcript NM_014874.4 (MANE Select); coding-DNA position 190, G replaced by A.
Protein change: p.Ala64Thr; replaces alanine 64 with threonine.
Molecular consequence: missense variant.
Genome position (GRCh38, 1-based): chr1:11,992,569, G>A. VCF-style: chr1-11992569-G-A. GRCh37 (hg19) VCF-style: chr1-12052626-G-A.
Other names: c.190G>A (NM_014874.3); c.190G>A, p.Ala64Thr (NM_001127660.2); short protein forms A64T.
Identifiers: ClinVar variation 1423906 (VCV001423906.7), dbSNP rs922058129, ClinGen allele CA18038628.
Genomic context (GRCh38, chr1:11,992,569, plus strand): 5'-AACTCCTCTGACCACGTGGTGACCCATTTTCAATCCCCACCTCCAGACACGTACAGGAAT[G>A]CAGAACTGGACCCCGTTACCACAGAAGAACAGGTTCTGGACGTCAAAGGTTACCTATCCA-3'
Protein context (NP_055689.1, residues 54-74): ATFLEDTYRN[Ala64Thr]ELDPVTTEEQ